The following is an entry in ClinVar:

ClinVar aggregate classification (germline): Uncertain significance. Review status: criteria provided, multiple submitters, no conflicts (2 of 4 stars). 2 submissions from 2 submitters: Uncertain significance (2). Last evaluated 2024-12-04.

Conditions:
DYRK1B-related disorder. Also called: DYRK1B-related condition.

Allele frequency attached by ClinVar (database versions not stated): gnomAD 0.00001; TOPMed 0.00001.

Submissions (2):

PreventionGenetics, part of Exact Sciences
Classification: Uncertain significance for DYRK1B-related condition. Last evaluated: 2024-12-04. Review status: criteria provided, single submitter. Criteria: ACMG Guidelines, 2015. Collection method: clinical testing. Allele origin: germline.
Comment: The DYRK1B c.22G>C variant is predicted to result in the amino acid substitution p.Gly8Arg. To our knowledge, this variant has not been reported in the literature. This variant is reported in 0.0019% of alleles in individuals of European (Non-Finnish) descent in gnomAD. At this time, the clinical significance of this variant is uncertain due to the absence of conclusive functional and genetic evidence.

Labcorp Genetics (formerly Invitae), Labcorp
Classification: Uncertain significance. Last evaluated: 2021-12-24. Review status: criteria provided, single submitter. Criteria: Invitae Variant Classification Sherloc (09022015). Collection method: clinical testing. Allele origin: germline.
Comment: This sequence change replaces glycine, which is neutral and non-polar, with arginine, which is basic and polar, at codon 8 of the DYRK1B protein (p.Gly8Arg). This variant is present in population databases (no rsID available, gnomAD 0.002%). This variant has not been reported in the literature in individuals affected with DYRK1B-related conditions. Advanced modeling of protein sequence and biophysical properties (such as structural, functional, and spatial information, amino acid conservation, physicochemical variation, residue mobility, and thermodynamic stability) performed at Invitae indicates that this missense variant is not expected to disrupt DYRK1B protein function. In summary, the available evidence is currently insufficient to determine the role of this variant in disease. Therefore, it has been classified as a Variant of Uncertain Significance.

NM_004714.3(DYRK1B):c.22G>C (p.Gly8Arg)

Gene: DYRK1B (dual specificity tyrosine phosphorylation regulated kinase 1B; minus strand). Cytogenetic location: 19q13.2.
Variant type: single nucleotide variant.
Coding change: c.22G>C on transcript NM_004714.3 (MANE Select); coding-DNA position 22, G replaced by C.
Protein change: p.Gly8Arg; replaces glycine 8 with arginine.
Molecular consequence: missense variant.
Genome position (GRCh38, 1-based): chr19:39,831,846, C>G on the plus strand (G>C on the coding strand, the complement: DYRK1B is on the minus strand). VCF-style: chr19-39831846-C-G. GRCh37 (hg19) VCF-style: chr19-40322486-C-G.
Other names: c.22G>C (NM_004714.2); c.22G>C, p.Gly8Arg (NM_006483.3, NM_006484.3); short protein forms G8R.
Identifiers: ClinVar variation 2079382 (VCV002079382.5), dbSNP rs1206052069, ClinGen allele CA405830934.